The following is an entry in ClinVar:

ClinVar aggregate classification (germline): Uncertain significance (1 of 4 stars; one submission).

Allele frequency attached by ClinVar (database versions not stated): gnomAD 0.00001.
gnomAD v4.1: 1 of 1,193,355 alleles (0.000084%); highest among the groups gnomAD compares: African/African-American, 0.0018%; no homozygotes.

Submission:

GeneDx
Classification: Uncertain significance. Last evaluated: 2021-09-23. Review status: criteria provided, single submitter. Criteria: GeneDx Variant Classification Process June 2021. Collection method: clinical testing. Allele origin: germline. Affected: yes.
Comment: Not observed at significant frequency in large population cohorts (Lek et al., 2016); In silico analysis supports that this missense variant has a deleterious effect on protein structure/function; Has not been previously published as pathogenic or benign to our knowledge

NM_001318510.2(ACSL4):c.1145T>C (p.Leu382Ser)

Gene: ACSL4 (acyl-CoA synthetase long chain family member 4; minus strand). Cytogenetic location: Xq23.
Variant type: single nucleotide variant.
Coding change: c.1145T>C on transcript NM_001318510.2 (MANE Select); coding-DNA position 1145, T replaced by C.
Protein change: p.Leu382Ser; replaces leucine 382 with serine.
Molecular consequence: missense variant.
Genome position (GRCh38, 1-based): chrX:109,668,271, A>G on the plus strand (T>C on the coding strand, the complement: ACSL4 is on the minus strand). VCF-style: chrX-109668271-A-G. GRCh37 (hg19) VCF-style: chrX-108911500-A-G.
Other names: c.1268T>C, p.Leu423Ser (NM_001318509.2, NM_022977.3); c.1145T>C, p.Leu382Ser (NM_004458.3); short protein forms L382S, L423S.
Identifiers: ClinVar variation 1301195 (VCV001301195.2), dbSNP rs1922851704, ClinGen allele CA414216250.
Genomic context (GRCh38, chrX:109,668,271, plus strand): 5'-CCTCCAGACAGCATCATGCGGACATTCCCTCCCAGCAGGGCCTTGACCTTTTTAAACAGT[A>G]ACCTTAATAAAGGGAGGATAAATGATTTTAATGTACGCATACATTATTCTTGGCAACACA-3'
Protein context (NP_001305439.1, residues 372-392): KGYDAPLCNL[Leu382Ser]LFKKVKALLG